The following is an entry in ClinVar:

ClinVar aggregate classification (germline): Benign (0 of 4 stars; one submission).

Conditions:
NOP56-related disorder. Also called: NOP56-related condition.

Allele frequency attached by ClinVar (database versions not stated): gnomAD exomes 0.00022; ExAC 0.00067; 1000 Genomes Project 30x 0.00203; 1000 Genomes Project 0.00220; gnomAD 0.00230; ESP Exome Variant Server 0.00238; TOPMed 0.00286.
gnomAD v4.1: 681 of 1,614,000 alleles (0.042%); highest among the groups gnomAD compares: African/African-American, 0.78%; 4 homozygotes.

Submission:

PreventionGenetics, part of Exact Sciences
Classification: Benign for NOP56-related condition. Last evaluated: 2019-04-03. Review status: no assertion criteria provided. Collection method: clinical testing. Allele origin: germline.
Comment: This variant is classified as benign based on ACMG/AMP sequence variant interpretation guidelines (Richards et al. 2015 PMID: 25741868, with internal and published modifications).

NM_006392.4(NOP56):c.1575C>T (p.Thr525=)

Gene: NOP56 (NOP56 ribonucleoprotein; plus strand). Cytogenetic location: 20p13.
Variant type: single nucleotide variant.
Coding change: c.1575C>T on transcript NM_006392.4 (MANE Select); coding-DNA position 1575, C replaced by T.
Protein change: p.Thr525=; no amino-acid change (threonine 525 retained).
Molecular consequence: synonymous variant. On other transcripts: non-coding transcript variant (2).
Genome position (GRCh38, 1-based): chr20:2,658,084, C>T. VCF-style: chr20-2658084-C-T. GRCh37 (hg19) VCF-style: chr20-2638730-C-T.
Identifiers: ClinVar variation 3042576 (VCV003042576.2), dbSNP rs140030798, ClinGen allele CA9734912.
Genomic context (GRCh38, chr20:2,658,084, plus strand): 5'-ACCCAAGAAAAAGAAATCTTTTTCCAAGGAGGAGTTGATGAGTAGCGATCTTGAAGAGAC[C>T]GCTGGCAGCACCAGTATTCCCAAGAGGAAGAAGTCTACACCCAAGGAGGAAACAGTTAAT-3'
Protein context (NP_006383.2, residues 515-535): EELMSSDLEE[Thr525=]AGSTSIPKRK